The following is an entry in ClinVar:

NC_000003.11:g.(148847728_148857790)_(148890984_?)del

Genes: CP (ceruloplasmin; minus strand), HPS3 (HPS3 biogenesis of lysosomal organelles complex 2 subunit 1; plus strand). Cytogenetic location: 3q24.
Variant type: Deletion.
Identifiers: ClinVar variation 1704605 (VCV001704605.1).

ClinVar aggregate classification (germline): Likely pathogenic (1 of 4 stars; one submission).

Conditions:
Hermansky-Pudlak syndrome (HPS). Also called: ALBINISM WITH HEMORRHAGIC DIATHESIS AND PIGMENTED RETICULOENDOTHELIAL CELLS. Identifiers: Orphanet 79430, MedGen C0079504, MONDO:0019312.

Submission:

Women's Health and Genetics/Laboratory Corporation of America, LabCorp
Classification: Likely pathogenic for Hermansky-Pudlak syndrome. Last evaluated: 2022-07-22. Review status: criteria provided, single submitter. Criteria: LabCorp Variant Classification Summary - May 2015. Collection method: clinical testing. Allele origin: germline.
Comment: Variant summary: The variant identified by MLPA or other technology involves the deletion of exons 2-17 in the HPS3 gene. A presumed nomenclature of c.(217+1_218-1)_(*975_?)del has been designated for the purposes of this classification. Although exact breakpoints of this deletion are not known, it is expected to result in a frameshift in the HPS3 gene, a known mechanism of disease. The variant was absent in 21692 control chromosomes (gnomAD, Structural Variants dataset). To our knowledge, no occurrence of c.(217+1_218-1)_(*975_?)del in individuals affected with Hermansky-Pudlak Syndrome and no experimental evidence demonstrating its impact on protein function have been reported. One ClinVar submitter (evaluation after 2014) cites the variant as likely pathogenic. Based on the evidence outlined above, the variant was classified as likely pathogenic.